The following is an entry in ClinVar:

NM_005732.4(RAD50):c.2189T>C (p.Leu730Pro)

Gene: RAD50 (RAD50 double strand break repair protein; plus strand). Cytogenetic location: 5q31.1.
Variant type: single nucleotide variant.
Coding change: c.2189T>C on transcript NM_005732.4 (MANE Select); coding-DNA position 2189, T replaced by C.
Protein change: p.Leu730Pro; replaces leucine 730 with proline.
Molecular consequence: missense variant.
Genome position (GRCh38, 1-based): chr5:132,595,792, T>C. VCF-style: chr5-132595792-T-C. GRCh37 (hg19) VCF-style: chr5-131931484-T-C.
Other names: short protein forms L730P.
Identifiers: ClinVar variation 5027719 (VCV005027719.1).
Genomic context (GRCh38, chr5:132,595,792, plus strand): 5'-ATAAACTCAAGTCAACAGAATCAGAGCTAAAAAAAAAGGAAAAGCGGCGTGATGAAATGC[T>C]GGGACTTGTGCCCATGAGGTAAGAATGGGATTTACCTTCACTGTACATGTAGCAGCACAT-3'
Protein context (NP_005723.2, residues 720-740): KKKEKRRDEM[Leu730Pro]GLVPMRQSII

ClinVar aggregate classification (germline): Uncertain significance (1 of 4 stars; one submission).

Conditions:
Hereditary cancer-predisposing syndrome. Also called: Neoplastic Syndromes, Hereditary; Tumor predisposition; Hereditary neoplastic syndrome; Hereditary Cancer Syndrome. Identifiers: Orphanet 140162, MedGen C0027672, MeSH D009386, MONDO:0015356.

Submission:

Ambry Genetics
Classification: Uncertain significance for Hereditary cancer-predisposing syndrome. Last evaluated: 2026-07-18. Review status: criteria provided, single submitter. Criteria: Ambry Variant Classification Scheme 2023. Collection method: clinical testing. Allele origin: germline.
Comment: The p.L730P variant (also known as c.2189T>C), located in coding exon 13 of the RAD50 gene, results from a T to C substitution at nucleotide position 2189. The leucine at codon 730 is replaced by proline, an amino acid with similar properties. This amino acid position is conserved. In addition, the in silico prediction for this alteration is inconclusive. Based on the available evidence, the clinical significance of this variant remains unclear.